The following is an entry in ClinVar:

NC_000020.10:g.(?_61977556)_(62103836_?)del

Genes: CHRNA4 (cholinergic receptor nicotinic alpha 4 subunit; minus strand), KCNQ2 (potassium voltage-gated channel subfamily Q member 2; minus strand). Cytogenetic location: 20q13.33.
Variant type: Deletion.
Identifiers: ClinVar variation 832463 (VCV000832463.2).

ClinVar aggregate classification (germline): Pathogenic (1 of 4 stars; one submission).

Conditions:
Developmental and epileptic encephalopathy. Identifiers: MedGen C5779964, MONDO:0100620.

Submission:

Labcorp Genetics (formerly Invitae), Labcorp
Classification: Pathogenic for Early infantile epileptic encephalopathy with suppression bursts. Last evaluated: 2019-09-12. Review status: criteria provided, single submitter. Criteria: Invitae Variant Classification Sherloc (09022015). Collection method: clinical testing. Allele origin: germline.
Comment: A gross deletion of the genomic region encompassing the full coding sequence of the KCNQ2 gene has been identified. The boundaries of this event are unknown as the deletion extends beyond the assayed region for this gene and therefore may encompass additional genes. Isolated whole-gene deletions of KCNQ2 have not been reported in the literature. However, larger copy number events that include this gene have been reported in individuals affected with epilepsy and benign neonatal seizures (PMID: 24811917, 23360469, 19822871, 29215089, 25052858). Loss-of-function variants in KCNQ2 are known to be pathogenic (PMID: 14534157, 23692823, 25951140, 25959266, 26758118, 27779742). For these reasons, this variant has been classified as Pathogenic.

Literature cited by the submitters: PubMed 25052858; PubMed 23360469; PubMed 19822871; PubMed 24811917; PubMed 29215089.